The following is an entry in ClinVar:

NM_024675.4(PALB2):c.3506C>G (p.Ser1169Cys)

Gene: PALB2 (partner and localizer of BRCA2; minus strand). Cytogenetic location: 16p12.2.
Variant type: single nucleotide variant.
Coding change: c.3506C>G on transcript NM_024675.4 (MANE Select); coding-DNA position 3506, C replaced by G.
Protein change: p.Ser1169Cys; replaces serine 1169 with cysteine.
Molecular consequence: missense variant.
Genome position (GRCh38, 1-based): chr16:23,603,514, G>C on the plus strand (C>G on the coding strand, the complement: PALB2 is on the minus strand). VCF-style: chr16-23603514-G-C. GRCh37 (hg19) VCF-style: chr16-23614835-G-C.
Other names: short protein forms S1169C.
Identifiers: ClinVar variation 460998 (VCV000460998.14), dbSNP rs1555457848, ClinGen allele CA395137878.

ClinVar aggregate classification (germline): Uncertain significance. Review status: criteria provided, multiple submitters, no conflicts (2 of 4 stars). 2 submissions from 2 submitters: Uncertain significance (2). Last evaluated 2024-03-02.

Conditions:
Hereditary cancer-predisposing syndrome. Also called: Neoplastic Syndromes, Hereditary; Hereditary Cancer Syndrome; Hereditary neoplastic syndrome; Tumor predisposition. Identifiers: Orphanet 140162, MedGen C0027672, MeSH D009386, MONDO:0015356.
Familial cancer of breast. Also called: BREAST CANCER, FAMILIAL; Hereditary breast cancer; hereditary breast carcinoma. Identifiers: Orphanet 227535, MedGen C0346153, MONDO:0016419, OMIM 114480. Disease mechanism: loss of function.

gnomAD v4.1: 1 of 1,614,034 alleles (0.000062%); highest among the groups gnomAD compares: Non-Finnish European, 0.000085%; no homozygotes.

Submissions (2):

Labcorp Genetics (formerly Invitae), Labcorp
Classification: Uncertain significance for Familial cancer of breast. Last evaluated: 2024-03-02. Review status: criteria provided, single submitter. Criteria: Invitae Variant Classification Sherloc (09022015). Collection method: clinical testing. Allele origin: germline.
Comment: This sequence change replaces serine, which is neutral and polar, with cysteine, which is neutral and slightly polar, at codon 1169 of the PALB2 protein (p.Ser1169Cys). This variant is not present in population databases (gnomAD no frequency). This variant has not been reported in the literature in individuals affected with PALB2-related conditions. ClinVar contains an entry for this variant (Variation ID: 460998). An algorithm developed to predict the effect of missense changes on protein structure and function (PolyPhen-2) suggests that this variant is likely to be disruptive. In summary, the available evidence is currently insufficient to determine the role of this variant in disease. Therefore, it has been classified as a Variant of Uncertain Significance.

Ambry Genetics
Classification: Uncertain significance for Hereditary cancer-predisposing syndrome. Last evaluated: 2023-09-11. Review status: criteria provided, single submitter. Criteria: Ambry Variant Classification Scheme 2023. Collection method: clinical testing. Allele origin: germline.
Comment: The p.S1169C variant (also known as c.3506C>G), located in coding exon 13 of the PALB2 gene, results from a C to G substitution at nucleotide position 3506. The serine at codon 1169 is replaced by cysteine, an amino acid with dissimilar properties. This amino acid position is highly conserved in available vertebrate species. In addition, this alteration is predicted to be tolerated by in silico analysis. Since supporting evidence is limited at this time, the clinical significance of this alteration remains unclear.